The following is an entry in ClinVar:

NM_001164508.2(NEB):c.24857A>G (p.Gln8286Arg)

Genes: NEB (nebulin; minus strand), RIF1 (replication timing regulatory factor 1; plus strand). Cytogenetic location: 2q23.3.
Variant type: single nucleotide variant.
Coding change: c.24857A>G on transcript NM_001164508.2 (MANE Select); coding-DNA position 24857, A replaced by G.
Protein change: p.Gln8286Arg; replaces glutamine 8286 with arginine.
Molecular consequence: missense variant.
Genome position (GRCh38, 1-based): chr2:151,492,403, T>C on the plus strand (A>G on the coding strand, the complement: NEB is on the minus strand). VCF-style: chr2-151492403-T-C. GRCh37 (hg19) VCF-style: chr2-152348917-T-C.
Other names: c.24857A>G, p.Gln8286Arg (NM_001164507.2); c.24962A>G, p.Gln8321Arg (NM_001271208.2); c.19289A>G, p.Gln6430Arg (NM_004543.5); short protein forms Q6430R, Q8286R, Q8321R.
Identifiers: ClinVar variation 1913215 (VCV001913215.2), dbSNP rs2551709954, ClinGen allele CA348774137.
Genomic context (GRCh38, chr2:151,492,403, plus strand): 5'-ATTCTGACAGGCAGCCAGCCAATCCTAAAGAATTCCTGACTCACCGTTGAGATGTGCCGT[T>C]GGGTCTCCCTCACCCGTCTCATCTCGGGGGTATCCAATACATAGGCAGCTTTGCCTTGTA-3'
Protein context (NP_001157980.2, residues 8276-8296): TPEMRRVRET[Gln8286Arg]RHISTVKYHE

ClinVar aggregate classification (germline): Uncertain significance (1 of 4 stars; one submission).

Conditions:
Nemaline myopathy 2 (NEM2). Also called: Nemaline myopathy 2, autosomal recessive. Identifiers: MedGen C1850569, MONDO:0009725, OMIM 256030.

Submission:

Labcorp Genetics (formerly Invitae), Labcorp
Classification: Uncertain significance for Nemaline myopathy 2. Last evaluated: 2022-03-09. Review status: criteria provided, single submitter. Criteria: Invitae Variant Classification Sherloc (09022015). Collection method: clinical testing. Allele origin: germline.
Comment: This sequence change replaces glutamine, which is neutral and polar, with arginine, which is basic and polar, at codon 8321 of the NEB protein (p.Gln8321Arg). This variant is not present in population databases (gnomAD no frequency). This variant has not been reported in the literature in individuals affected with NEB-related conditions. Algorithms developed to predict the effect of missense changes on protein structure and function are either unavailable or do not agree on the potential impact of this missense change (SIFT: "Deleterious"; PolyPhen-2: "Not Available"; Align-GVGD: "Class C0"). In summary, the available evidence is currently insufficient to determine the role of this variant in disease. Therefore, it has been classified as a Variant of Uncertain Significance.